The following is an entry in ClinVar:

NM_004380.3(CREBBP):c.5333C>T (p.Ser1778Leu)

Gene: CREBBP (CREB binding lysine acetyltransferase; minus strand). Cytogenetic location: 16p13.3.
Variant type: single nucleotide variant.
Coding change: c.5333C>T on transcript NM_004380.3 (MANE Select); coding-DNA position 5333, C replaced by T.
Protein change: p.Ser1778Leu; replaces serine 1778 with leucine.
Molecular consequence: missense variant.
Genome position (GRCh38, 1-based): chr16:3,729,714, G>A on the plus strand (C>T on the coding strand, the complement: CREBBP is on the minus strand). VCF-style: chr16-3729714-G-A. GRCh37 (hg19) VCF-style: chr16-3779715-G-A.
Other names: c.5219C>T, p.Ser1740Leu (NM_001079846.1); short protein forms S1740L, S1778L.
Identifiers: ClinVar variation 2444662 (VCV002444662.3), dbSNP rs1220965943, ClinGen allele CA394557134.
Genomic context (GRCh38, chr16:3,729,714, plus strand): 5'-ATCTTCTGGCAGGATGGCAGCGAGCAGTTGGCGTTGCGGCACTGGCACGCGTGCACCAGC[G>A]ACTGGATGCAGCGCTGGATGCTCAGCCGGCGTGACTCCTGGGGGCTCTTTGACTGTGGCT-3'
Protein context (NP_004371.2, residues 1768-1788): RRLSIQRCIQ[Ser1778Leu]LVHACQCRNA

ClinVar aggregate classification (germline): Pathogenic (1 of 4 stars; one submission).

Allele frequency attached by ClinVar (database versions not stated): TOPMed below 0.00001.

Submission:

GeneDx
Classification: Pathogenic. Last evaluated: 2026-10-08. Review status: criteria provided, single submitter. Criteria: GeneDx Variant Classification Process June 2021. Collection method: clinical testing. Allele origin: germline.
Comment: Not observed at significant frequency in large population cohorts (gnomAD); In silico analysis supports that this missense variant has a deleterious effect on protein structure/function; Has not been previously published as pathogenic or benign to our knowledge; This variant is associated with the following publications: (PMID: 27311832)